The following is an entry in ClinVar:

NC_000012.12:g.121641513G>A

Gene: ORAI1 (ORAI calcium release-activated calcium modulator 1; plus strand). Cytogenetic location: 12q24.31.
Variant type: single nucleotide variant.
Genome position: GRCh38 VCF-style: chr12-121641513-G-A. GRCh37 (hg19) VCF-style: chr12-122079419-G-A.
Other names: c.776G>A, p.Arg259His (NM_032790.4); short protein forms R259H.
Identifiers: ClinVar variation 942275 (VCV000942275.10), dbSNP rs781789915, ClinGen allele CA6837565.

ClinVar aggregate classification (germline): Uncertain significance (1 of 4 stars; one submission).

Conditions:
Combined immunodeficiency due to ORAI1 deficiency. Also called: IMMUNODEFICIENCY 9. Identifiers: Orphanet 169090, Orphanet 317428, MedGen C2748568, MONDO:0013007, OMIM 612782.
Myopathy, tubular aggregate, 2 (TAM2). Identifiers: MedGen C4014557, MONDO:0014383, OMIM 615883.

Allele frequency attached by ClinVar (database versions not stated): gnomAD exomes 0.00001 and 0.00002; ExAC 0.00002; TOPMed 0.00002; gnomAD 0.00001.

Submission:

Labcorp Genetics (formerly Invitae), Labcorp
Classification: Uncertain significance for Myopathy, tubular aggregate, 2; Combined immunodeficiency due to ORAI1 deficiency. Last evaluated: 2024-10-25. Review status: criteria provided, single submitter. Criteria: Invitae Variant Classification Sherloc (09022015). Collection method: clinical testing. Allele origin: germline.
Comment: This sequence change replaces arginine, which is basic and polar, with histidine, which is basic and polar, at codon 259 of the ORAI1 protein (p.Arg259His). The frequency data for this variant in the population databases is considered unreliable, as metrics indicate poor data quality at this position in the gnomAD database. This variant has not been reported in the literature in individuals affected with ORAI1-related conditions. ClinVar contains an entry for this variant (Variation ID: 942275). Experimental studies and prediction algorithms are not available or were not evaluated, and the functional significance of this variant is currently unknown. In summary, the available evidence is currently insufficient to determine the role of this variant in disease. Therefore, it has been classified as a Variant of Uncertain Significance.